The following is an entry in ClinVar:

ClinVar aggregate classification (germline): Uncertain significance. Review status: criteria provided, multiple submitters, no conflicts (2 of 4 stars). 3 submissions from 3 submitters: Uncertain significance (3). Last evaluated 2025-04-20.

Conditions:
Hereditary cancer-predisposing syndrome. Also called: Neoplastic Syndromes, Hereditary; Hereditary neoplastic syndrome; Hereditary Cancer Syndrome; Tumor predisposition. Identifiers: Orphanet 140162, MedGen C0027672, MeSH D009386, MONDO:0015356.
Ataxia-telangiectasia syndrome (AT). Also called: Ataxia-telangiectasia, complementation group E; Ataxia telangiectasia (A-T); LOUIS-BAR SYNDROME; ATAXIA-TELANGIECTASIA, FRESNO VARIANT; AT, COMPLEMENTATION GROUP C; Ataxia-telangiectasia. Identifiers: Orphanet 100, MedGen C0004135, MONDO:0008840, OMIM 208900.

Allele frequency attached by ClinVar (database versions not stated): gnomAD exomes below 0.00001.
gnomAD v4.1: 2 of 1,613,864 alleles (0.00012%); highest among the groups gnomAD compares: South Asian, 0.0011%; no homozygotes.

Submissions (3):

Labcorp Genetics (formerly Invitae), Labcorp
Classification: Uncertain significance for Ataxia-telangiectasia syndrome. Last evaluated: 2025-04-20. Review status: criteria provided, single submitter. Criteria: Invitae Variant Classification Sherloc (09022015). Collection method: clinical testing. Allele origin: germline.
Comment: This sequence change replaces serine, which is neutral and polar, with asparagine, which is neutral and polar, at codon 549 of the ATM protein (p.Ser549Asn). This variant is not present in population databases (gnomAD no frequency). This variant has not been reported in the literature in individuals affected with ATM-related conditions. ClinVar contains an entry for this variant (Variation ID: 946642). Invitae Evidence Modeling of protein sequence and biophysical properties (such as structural, functional, and spatial information, amino acid conservation, physicochemical variation, residue mobility, and thermodynamic stability) indicates that this missense variant is not expected to disrupt ATM protein function with a negative predictive value of 95%. In summary, the available evidence is currently insufficient to determine the role of this variant in disease. Therefore, it has been classified as a Variant of Uncertain Significance.

Color Diagnostics, LLC DBA Color Health
Classification: Uncertain significance for Hereditary cancer-predisposing syndrome. Last evaluated: 2023-07-31. Review status: criteria provided, single submitter. Criteria: ACMG Guidelines, 2015. Collection method: clinical testing. Allele origin: germline.
Comment: This missense variant replaces serine with asparagine at codon 549 of the ATM protein. Computational prediction suggests that this variant may not impact protein structure and function (internally defined REVEL score threshold <= 0.5, PMID: 27666373). To our knowledge, functional studies have not been reported for this variant. This variant has not been reported in individuals affected with ATM-related disorders in the literature. This variant has not been identified in the general population by the Genome Aggregation Database (gnomAD). The available evidence is insufficient to determine the role of this variant in disease conclusively. Therefore, this variant is classified as a Variant of Uncertain Significance.

Ambry Genetics
Classification: Uncertain significance for Hereditary cancer-predisposing syndrome. Last evaluated: 2021-12-25. Review status: criteria provided, single submitter. Criteria: Ambry Variant Classification Scheme 2023. Collection method: clinical testing. Allele origin: germline.
Comment: The p.S549N variant (also known as c.1646G>A), located in coding exon 10 of the ATM gene, results from a G to A substitution at nucleotide position 1646. The serine at codon 549 is replaced by asparagine, an amino acid with highly similar properties. This amino acid position is conserved. In addition, this alteration is predicted to be tolerated by in silico analysis. Since supporting evidence is limited at this time, the clinical significance of this alteration remains unclear.

NM_000051.4(ATM):c.1646G>A (p.Ser549Asn)

Gene: ATM (ATM serine/threonine kinase; plus strand). Cytogenetic location: 11q22.3.
Variant type: single nucleotide variant.
Coding change: c.1646G>A on transcript NM_000051.4 (MANE Select); coding-DNA position 1646, G replaced by A.
Protein change: p.Ser549Asn; replaces serine 549 with asparagine.
Molecular consequence: missense variant.
Genome position (GRCh38, 1-based): chr11:108,251,875, G>A. VCF-style: chr11-108251875-G-A. GRCh37 (hg19) VCF-style: chr11-108122602-G-A.
Other names: c.1646G>A, p.Ser549Asn (NM_001351834.2); short protein forms S549N.
Identifiers: ClinVar variation 946642 (VCV000946642.12), dbSNP rs2080166953, ClinGen allele CA382534540.